The following is an entry in ClinVar:

NM_153717.3(EVC):c.1099-2A>C

Gene: EVC (EvC ciliary complex subunit 1; plus strand). Cytogenetic location: 4p16.2.
Variant type: single nucleotide variant.
Coding change: c.1099-2A>C on transcript NM_153717.3 (MANE Select); the canonical splice acceptor site of the intron before coding-DNA position 1099, A replaced by C.
Molecular consequence: splice acceptor variant.
Genome position (GRCh38, 1-based): chr4:5,752,834, A>C. VCF-style: chr4-5752834-A-C. GRCh37 (hg19) VCF-style: chr4-5754561-A-C.
Other names: c.1099-2A>C (NM_001306090.2, NM_001306092.2).
Identifiers: ClinVar variation 2014563 (VCV002014563.4), dbSNP rs1553875596, ClinGen allele CA356153231.
Genomic context (GRCh38, chr4:5,752,834, plus strand): 5'-TTAACATGCCCTGGTGGTTCCCAGGACACCCCAGCTATGGTCCTGTGTGTTTCTTTTTGC[A>C]GGACGCCCTGGAGAGGACGATGGGGCGGGCGCACATGGCAAAAGTGATTGAGTTTCTGAA-3'

ClinVar aggregate classification (germline): Likely pathogenic (1 of 4 stars; one submission).

Conditions:
Ellis-van Creveld syndrome (EVC). Also called: EVC-Related Ellis-van Creveld Syndrome; EVC2-Related Ellis-van Creveld Syndrome; MESOECTODERMAL DYSPLASIA; Chondroectodermal dysplasia. Identifiers: Orphanet 289, MedGen C0013903, MONDO:0009162, OMIM 225500.
Curry-Hall syndrome (WAD). Also called: WEYERS ACRODENTAL DYSOSTOSIS. Identifiers: Orphanet 952, MedGen C0457013, MONDO:0008673, OMIM 193530.

Allele frequency attached by ClinVar (database versions not stated): gnomAD exomes below 0.00001.
gnomAD v4.1: 1 of 1,614,120 alleles (0.000062%); highest among the groups gnomAD compares: Non-Finnish European, 0.000085%; no homozygotes.

Submission:

Labcorp Genetics (formerly Invitae), Labcorp
Classification: Likely pathogenic for Curry-Hall syndrome; Ellis-van Creveld syndrome. Last evaluated: 2022-07-06. Review status: criteria provided, single submitter. Criteria: Invitae Variant Classification Sherloc (09022015). Collection method: clinical testing. Allele origin: germline.
Comment: This sequence change affects an acceptor splice site in intron 8 of the EVC gene. It is expected to disrupt RNA splicing. Variants that disrupt the donor or acceptor splice site typically lead to a loss of protein function (PMID: 16199547), and loss-of-function variants in EVC are known to be pathogenic (PMID: 23220543). In summary, the currently available evidence indicates that the variant is pathogenic, but additional data are needed to prove that conclusively. Therefore, this variant has been classified as Likely Pathogenic. Algorithms developed to predict the effect of sequence changes on RNA splicing suggest that this variant may disrupt the consensus splice site. This variant has not been reported in the literature in individuals affected with EVC-related conditions. This variant is not present in population databases (gnomAD no frequency).

Literature cited by the submitters: PubMed 16199547; PubMed 23220543.